The following is an entry in ClinVar:

NM_001267550.2(TTN):c.31669_31670del (p.Ala10557fs)

Gene: TTN (titin; minus strand). Cytogenetic location: 2q31.2.
Variant type: Deletion.
Coding change: c.31669_31670del on transcript NM_001267550.2 (MANE Select); coding-DNA positions 31669 to 31670, 2 bases deleted (GC; older notation c.31669_31670delGC).
Protein change: p.Ala10557fs; shifts the reading frame from alanine 10557.
Molecular consequence: frameshift variant. On other transcripts: intron variant (3).
Genome position (GRCh38, 1-based): chr2:178,692,505-178,692,506, GC deleted on the plus strand (GC on the coding strand, the reverse complement: TTN is on the minus strand). VCF-style (leftmost placement, unchanged base first): chr2-178692504-TGC-T. GRCh37 (hg19) VCF-style: chr2-179557231-TGC-T.
Other names: c.30718_30719del, p.Ala10240fs (NM_001256850.1); c.27937_27938del, p.Ala9313fs (NM_133378.4); c.13282+45576_13282+45577del (NM_003319.4); c.13858+45576_13858+45577del (NM_133437.4); c.13657+45576_13657+45577del (NM_133432.3); short protein forms A10557fs, A9313fs, A10240fs.
Identifiers: ClinVar variation 2941154 (VCV002941154.3), dbSNP rs1465267708, ClinGen allele CA538096720.

ClinVar aggregate classification (germline): Likely pathogenic (1 of 4 stars; one submission).

Conditions:
Dilated cardiomyopathy 1G (CMD1G). Identifiers: Orphanet 154, MedGen C1858763, MONDO:0011400, OMIM 604145.
Autosomal recessive limb-girdle muscular dystrophy type 2J (LGMDR10). Also called: Limb-girdle muscular dystrophy, type 2J; MUSCULAR DYSTROPHY, LIMB-GIRDLE, AUTOSOMAL RECESSIVE 10. Identifiers: Orphanet 140922, MedGen C1837342, MONDO:0012127, OMIM 608807.

Submission:

Labcorp Genetics (formerly Invitae), Labcorp
Classification: Likely pathogenic for Dilated cardiomyopathy 1G; Autosomal recessive limb-girdle muscular dystrophy type 2J. Last evaluated: 2024-10-18. Review status: criteria provided, single submitter. Criteria: Invitae Variant Classification Sherloc (09022015). Collection method: clinical testing. Allele origin: germline.
Comment: This sequence change creates a premature translational stop signal (p.Ala10557Thrfs*5) in the TTN gene. While this is not anticipated to result in nonsense mediated decay, it is expected to create a truncated TTN protein. This variant is present in population databases (no rsID available, gnomAD 0.01%). This variant has not been reported in the literature in individuals affected with TTN-related conditions. This variant is located in the I band of TTN (PMID: 25589632). Truncating variants in this region have been reported in individuals affected with autosomal recessive centronuclear myopathy (PMID: 23975875, internal data). Truncating variants in this region have also been identified in individuals affected with autosomal dominant dilated cardiomyopathy and/or cardio-related conditions (PMID: 27869827, 32964742, internal data). In summary, the currently available evidence indicates that the variant is pathogenic, but additional data are needed to prove that conclusively. Therefore, this variant has been classified as Likely Pathogenic.

Literature cited by the submitters: PubMed 25589632; PubMed 23975875; PubMed 27869827; PubMed 32964742.